The following is an entry in ClinVar:

ClinVar aggregate classification (germline): Uncertain significance. Review status: criteria provided, multiple submitters, no conflicts (2 of 4 stars). 2 submissions from 2 submitters: Uncertain significance (2). Last evaluated 2025-04-30.

Conditions:
Inborn genetic diseases. Identifiers: MedGen C0950123, MeSH D030342.

Allele frequency attached by ClinVar (database versions not stated): gnomAD exomes below 0.00001 and 0.00001; TOPMed below 0.00001.
gnomAD v4.1: 8 of 1,614,204 alleles (0.0005%); highest among the groups gnomAD compares: East Asian, 0.0022%; no homozygotes.

Submissions (2):

Ambry Genetics
Classification: Uncertain significance for Inborn genetic diseases. Last evaluated: 2025-04-30. Review status: criteria provided, single submitter. Criteria: Ambry Variant Classification Scheme 2023. Collection method: clinical testing. Allele origin: germline.

Labcorp Genetics (formerly Invitae), Labcorp
Classification: Uncertain significance. Last evaluated: 2022-10-24. Review status: criteria provided, single submitter. Criteria: Invitae Variant Classification Sherloc (09022015). Collection method: clinical testing. Allele origin: germline.
Comment: Advanced modeling of protein sequence and biophysical properties (such as structural, functional, and spatial information, amino acid conservation, physicochemical variation, residue mobility, and thermodynamic stability) performed at Invitae indicates that this missense variant is not expected to disrupt HK1 protein function. ClinVar contains an entry for this variant (Variation ID: 1424342). This variant has not been reported in the literature in individuals affected with HK1-related conditions. This variant is present in population databases (no rsID available, gnomAD 0.006%). This sequence change replaces arginine, which is basic and polar, with histidine, which is basic and polar, at codon 441 of the HK1 protein (p.Arg441His). In summary, the available evidence is currently insufficient to determine the role of this variant in disease. Therefore, it has been classified as a Variant of Uncertain Significance.

NM_000188.3(HK1):c.1322G>A (p.Arg441His)

Gene: HK1 (hexokinase 1; plus strand). Cytogenetic location: 10q22.1.
Variant type: single nucleotide variant.
Coding change: c.1322G>A on transcript NM_000188.3 (MANE Select); coding-DNA position 1322, G replaced by A.
Protein change: p.Arg441His; replaces arginine 441 with histidine.
Molecular consequence: missense variant.
Genome position (GRCh38, 1-based): chr10:69,382,543, G>A. VCF-style: chr10-69382543-G-A. GRCh37 (hg19) VCF-style: chr10-71142299-G-A.
Other names: c.1334G>A, p.Arg445His (NM_001322364.2, NM_001358263.1, NM_033497.3 and 1 more transcripts); c.1427G>A, p.Arg476His (NM_001322365.2); c.1238G>A, p.Arg413His (NM_001322366.1); c.1226G>A, p.Arg409His (NM_001322367.1); c.1319G>A, p.Arg440His (NM_033496.3); c.1286G>A, p.Arg429His (NM_033500.2); c.1322G>A (NM_000188.2); short protein forms R429H, R440H, R409H, R413H, R476H, R445H, R441H.
Identifiers: ClinVar variation 1424342 (VCV001424342.7), dbSNP rs1373129992, ClinGen allele CA376909612.